The following is an entry in ClinVar:

NM_006563.5(KLF1):c.1022G>A (p.Cys341Tyr)

Genes: KLF1 (KLF transcription factor 1; minus strand), LOC117125591 (CRISPRi-FlowFISH-validated PRDX2 and RAD23A regulatory element; plus strand). Cytogenetic location: 19p13.13.
Variant type: single nucleotide variant.
Coding change: c.1022G>A on transcript NM_006563.5 (MANE Select); coding-DNA position 1022, G replaced by A.
Protein change: p.Cys341Tyr; replaces cysteine 341 with tyrosine.
Molecular consequence: missense variant.
Genome position (GRCh38, 1-based): chr19:12,884,952, C>T on the plus strand (G>A on the coding strand, the complement: KLF1 is on the minus strand). VCF-style: chr19-12884952-C-T. GRCh37 (hg19) VCF-style: chr19-12995766-C-T.
Other names: short protein forms C341Y.
Identifiers: ClinVar variation 100797 (VCV000100797.2), dbSNP rs483352839, ClinGen allele CA228973.

ClinVar aggregate classification (germline): Likely pathogenic (0 of 4 stars; one submission).

Submission:

Department of Medical Genetics, Oslo University Hospital
Classification: Likely pathogenic. Review status: no assertion criteria provided. Collection method: not provided. Allele origin: unknown.
Comment: p.Cys341Thr
ClinVar note: Converted during submission from probable-pathogenic to Likely pathogenic.